The following is an entry in ClinVar:

NM_018699.4(PRDM5):c.280A>G (p.Lys94Glu)

Gene: PRDM5 (PR/SET domain 5; minus strand). Cytogenetic location: 4q27.
Variant type: single nucleotide variant.
Coding change: c.280A>G on transcript NM_018699.4 (MANE Select); coding-DNA position 280, A replaced by G.
Protein change: p.Lys94Glu; replaces lysine 94 with glutamic acid.
Molecular consequence: missense variant.
Genome position (GRCh38, 1-based): chr4:120,853,438, T>C on the plus strand (A>G on the coding strand, the complement: PRDM5 is on the minus strand). VCF-style: chr4-120853438-T-C. GRCh37 (hg19) VCF-style: chr4-121774593-T-C.
Other names: c.280A>G, p.Lys94Glu (NM_001300823.2, NM_001300824.2, NM_001379104.1 and 1 more transcripts); short protein forms K94E.
Identifiers: ClinVar variation 4687498 (VCV004687498.1).

ClinVar aggregate classification (germline): Uncertain significance (1 of 4 stars; one submission).

Submission:

Women's Health and Genetics/Laboratory Corporation of America, LabCorp
Classification: Uncertain significance. Last evaluated: 2025-10-07. Review status: criteria provided, single submitter. Criteria: LabCorp Variant Classification Summary - May 2015. Collection method: clinical testing. Allele origin: germline.
Comment: Variant summary: PRDM5 c.280A>G (p.Lys94Glu) results in a conservative amino acid change in the encoded protein sequence. Algorithms developed to predict the effect of missense changes on protein structure and function are either unavailable or do not agree on the potential impact of this missense change. The variant was absent in 251324 control chromosomes. The available data on variant occurrences in the general population are insufficient to allow any conclusion about variant significance. To our knowledge, no occurrence of c.280A>G in individuals affected with PRDM5-related conditions and no experimental evidence demonstrating its impact on protein function have been reported. No submitters have cited clinical-significance assessments for this variant to ClinVar. Based on the evidence outlined above, the variant was classified as uncertain significance.